The following is an entry in ClinVar:

NM_001041.4(SI):c.4693-3C>G

Gene: SI (sucrase-isomaltase; minus strand). Cytogenetic location: 3q26.1.
Variant type: single nucleotide variant.
Coding change: c.4693-3C>G on transcript NM_001041.4 (MANE Select); 3 bases into the intron before coding-DNA position 4693, C replaced by G.
Molecular consequence: intron variant.
Genome position (GRCh38, 1-based): chr3:164,994,408, G>C on the plus strand (C>G on the coding strand, the complement: SI is on the minus strand). VCF-style: chr3-164994408-G-C. GRCh37 (hg19) VCF-style: chr3-164712196-G-C.
Identifiers: ClinVar variation 4696119 (VCV004696119.1).

ClinVar aggregate classification (germline): Uncertain significance (1 of 4 stars; one submission).

Submission:

Labcorp Genetics (formerly Invitae), Labcorp
Classification: Uncertain significance. Last evaluated: 2025-09-30. Review status: criteria provided, single submitter. Criteria: Invitae Variant Classification Sherloc (09022015). Collection method: clinical testing. Allele origin: germline.
Comment: This sequence change falls in intron 40 of the SI gene. It does not directly change the encoded amino acid sequence of the SI protein. It affects a nucleotide within the consensus splice site. This variant is present in population databases (rs780352526, gnomAD 0.006%). This variant has not been reported in the literature in individuals affected with SI-related conditions. Variants that disrupt the consensus splice site are a relatively common cause of aberrant splicing (PMID: 17576681, 9536098). Algorithms developed to predict the effect of sequence changes on RNA splicing suggest that this variant may disrupt the consensus splice site. In summary, the available evidence is currently insufficient to determine the role of this variant in disease. Therefore, it has been classified as a Variant of Uncertain Significance.

Literature cited by the submitters: PubMed 17576681; PubMed 9536098.